The following is an entry in ClinVar:

ClinVar aggregate classification (germline): Uncertain significance (1 of 4 stars; one submission).

Submission:

Labcorp Genetics (formerly Invitae), Labcorp
Classification: Uncertain significance. Last evaluated: 2022-09-06. Review status: criteria provided, single submitter. Criteria: Invitae Variant Classification Sherloc (09022015). Collection method: clinical testing. Allele origin: germline.
Comment: This sequence change replaces serine, which is neutral and polar, with cysteine, which is neutral and slightly polar, at codon 46 of the NSDHL protein (p.Ser46Cys). This variant is not present in population databases (gnomAD no frequency). This variant has not been reported in the literature in individuals affected with NSDHL-related conditions. Algorithms developed to predict the effect of missense changes on protein structure and function output the following: SIFT: "Tolerated"; PolyPhen-2: "Benign"; Align-GVGD: "Class C0". The cysteine amino acid residue is found in multiple mammalian species, which suggests that this missense change does not adversely affect protein function. In summary, the available evidence is currently insufficient to determine the role of this variant in disease. Therefore, it has been classified as a Variant of Uncertain Significance.

NM_015922.3(NSDHL):c.137C>G (p.Ser46Cys)

Gene: NSDHL (NAD(P) dependent 3-beta-hydroxysteroid dehydrogenase NSDHL; plus strand). Cytogenetic location: Xq28.
Variant type: single nucleotide variant.
Coding change: c.137C>G on transcript NM_015922.3 (MANE Select); coding-DNA position 137, C replaced by G.
Protein change: p.Ser46Cys; replaces serine 46 with cysteine.
Molecular consequence: missense variant.
Genome position (GRCh38, 1-based): chrX:152,850,293, C>G. VCF-style: chrX-152850293-C-G. GRCh37 (hg19) VCF-style: chrX-152018837-C-G.
Other names: c.137C>G, p.Ser46Cys (NM_001129765.2); short protein forms S46C.
Identifiers: ClinVar variation 1718891 (VCV001718891.5), dbSNP rs2521768494, ClinGen allele CA415284230.
Genomic context (GRCh38, chrX:152,850,293, plus strand): 5'-TGGTCTTCCCCACCGTTCCTCTCTTTCCACAGGCCAAGAGATGCACAGTGATCGGTGGCT[C>G]TGGATTCCTGGGGCAGCACATGGTGGAGCAGTTGCTGGCAAGAGGATATGCTGTCAATGT-3'
Protein context (NP_057006.1, residues 36-56): QAKRCTVIGG[Ser46Cys]GFLGQHMVEQ